The following is an entry in ClinVar:

NM_020975.6(RET):c.1445A>G (p.His482Arg)

Gene: RET (ret proto-oncogene; plus strand). Cytogenetic location: 10q11.21.
Variant type: single nucleotide variant.
Coding change: c.1445A>G on transcript NM_020975.6 (MANE Select); coding-DNA position 1445, A replaced by G.
Protein change: p.His482Arg; replaces histidine 482 with arginine.
Molecular consequence: missense variant.
Genome position (GRCh38, 1-based): chr10:43,111,388, A>G. VCF-style: chr10-43111388-A-G. GRCh37 (hg19) VCF-style: chr10-43606836-A-G.
Other names: c.1445A>G, p.His482Arg (NM_000323.2, NM_001406743.1, NM_001406744.1 and 6 more transcripts); c.683A>G, p.His228Arg (NM_001355216.2); c.1316A>G, p.His439Arg (NM_001406761.1, NM_001406762.1, NM_001406764.1 and 1 more transcripts); c.1157A>G, p.His386Arg (NM_001406766.1, NM_001406767.1, NM_001406770.1); c.1049A>G, p.His350Arg (NM_001406769.1, NM_001406772.1); c.1007A>G, p.His336Arg (NM_001406771.1, NM_001406773.1); c.920A>G, p.His307Arg (NM_001406774.1); c.719A>G, p.His240Arg (NM_001406775.1, NM_001406776.1, NM_001406777.1 and 1 more transcripts); and 1 more; short protein forms H482R, H228R, H240R, H336R, H386R, H152R, H307R, H350R.
Identifiers: ClinVar variation 232529 (VCV000232529.13), dbSNP rs876659821, ClinGen allele CA10578863.

ClinVar aggregate classification (germline): Conflicting classifications of pathogenicity. Review status: criteria provided, conflicting classifications (1 of 4 stars). 2 submissions from 2 submitters: Uncertain significance (1); Likely benign (1). Last evaluated 2025-10-29.

Conditions:
Multiple endocrine neoplasia, type 2 (MEN2). Identifiers: Orphanet 653, MedGen C4048306, MONDO:0019003. Disease mechanism: gain of function.
Hereditary cancer-predisposing syndrome. Also called: Neoplastic Syndromes, Hereditary; Tumor predisposition; Hereditary Cancer Syndrome; Hereditary neoplastic syndrome. Identifiers: Orphanet 140162, MedGen C0027672, MeSH D009386, MONDO:0015356.

Submissions (2):

Ambry Genetics
Classification: Likely benign for Hereditary cancer-predisposing syndrome. Last evaluated: 2025-10-29. Review status: criteria provided, single submitter. Criteria: Ambry Variant Classification Scheme 2023. Collection method: clinical testing. Allele origin: germline.

Labcorp Genetics (formerly Invitae), Labcorp
Classification: Uncertain significance for Multiple endocrine neoplasia, type 2. Last evaluated: 2022-09-03. Review status: criteria provided, single submitter. Criteria: Invitae Variant Classification Sherloc (09022015). Collection method: clinical testing. Allele origin: germline.
Comment: This variant is not present in population databases (gnomAD no frequency). This variant has not been reported in the literature in individuals affected with RET-related conditions. ClinVar contains an entry for this variant (Variation ID: 232529). Algorithms developed to predict the effect of missense changes on protein structure and function output the following: SIFT: "Tolerated"; PolyPhen-2: "Benign"; Align-GVGD: "Class C0". The arginine amino acid residue is found in multiple mammalian species, which suggests that this missense change does not adversely affect protein function. In summary, the available evidence is currently insufficient to determine the role of this variant in disease. Therefore, it has been classified as a Variant of Uncertain Significance. This sequence change replaces histidine, which is basic and polar, with arginine, which is basic and polar, at codon 482 of the RET protein (p.His482Arg).